The following is an entry in ClinVar:

ClinVar aggregate classification (germline): Uncertain significance. Review status: criteria provided, multiple submitters, no conflicts (2 of 4 stars). 2 submissions from 2 submitters: Uncertain significance (2). Last evaluated 2022-10-18.

Conditions:
Pontocerebellar hypoplasia type 3 (PCH3). Also called: CEREBELLAR ATROPHY WITH PROGRESSIVE MICROCEPHALY; PCH WITH OPTIC ATROPHY. Identifiers: Orphanet 97249, MedGen C1842687, MONDO:0011948, OMIM 608027.

Allele frequency attached by ClinVar (database versions not stated): gnomAD exomes 0.00001 and 0.00003; ExAC 0.00002; TOPMed 0.00004; gnomAD 0.00005; ESP Exome Variant Server 0.00008.
gnomAD v4.1: 45 of 1,612,698 alleles (0.0028%); highest among the groups gnomAD compares: East Asian, 0.013%; no homozygotes.

Submissions (2):

Labcorp Genetics (formerly Invitae), Labcorp
Classification: Uncertain significance. Last evaluated: 2022-10-18. Review status: criteria provided, single submitter. Criteria: Invitae Variant Classification Sherloc (09022015). Collection method: clinical testing. Allele origin: germline.
Comment: This sequence change replaces arginine, which is basic and polar, with histidine, which is basic and polar, at codon 3982 of the PCLO protein (p.Arg3982His). This variant is present in population databases (rs371334306, gnomAD 0.02%). This variant has not been reported in the literature in individuals affected with PCLO-related conditions. ClinVar contains an entry for this variant (Variation ID: 1419372). Algorithms developed to predict the effect of missense changes on protein structure and function are either unavailable or do not agree on the potential impact of this missense change (SIFT: "Deleterious"; PolyPhen-2: "Not Available"; Align-GVGD: "Class C0"). In summary, the available evidence is currently insufficient to determine the role of this variant in disease. Therefore, it has been classified as a Variant of Uncertain Significance.

Fulgent Genetics
Classification: Uncertain significance for Pontocerebellar hypoplasia type 3. Last evaluated: 2022-02-02. Review status: criteria provided, single submitter. Criteria: ACMG Guidelines, 2015. Collection method: clinical testing. Allele origin: unknown.

NM_033026.6(PCLO):c.11945G>A (p.Arg3982His)

Gene: PCLO (piccolo presynaptic cytomatrix protein; minus strand). Cytogenetic location: 7q21.11.
Variant type: single nucleotide variant.
Coding change: c.11945G>A on transcript NM_033026.6 (MANE Select); coding-DNA position 11945, G replaced by A.
Protein change: p.Arg3982His; replaces arginine 3982 with histidine.
Molecular consequence: missense variant.
Genome position (GRCh38, 1-based): chr7:82,916,041, C>T on the plus strand (G>A on the coding strand, the complement: PCLO is on the minus strand). VCF-style: chr7-82916041-C-T. GRCh37 (hg19) VCF-style: chr7-82545357-C-T.
Other names: c.11945G>A, p.Arg3982His (NM_014510.3); short protein forms R3982H.
Identifiers: ClinVar variation 1419372 (VCV001419372.4), dbSNP rs371334306, ClinGen allele CA4319478.